The following is an entry in ClinVar:

ClinVar aggregate classification (germline): Likely benign (0 of 4 stars; one submission).

Conditions:
PRKACG-related disorder. Also called: PRKACG-related condition.

Allele frequency attached by ClinVar (database versions not stated): ExAC 0.00007; ESP Exome Variant Server 0.00008; TOPMed 0.00015; gnomAD 0.00018; gnomAD exomes 0.00018.

Submission:

PreventionGenetics, part of Exact Sciences
Classification: Likely benign for PRKACG-related condition. Last evaluated: 2023-03-16. Review status: no assertion criteria provided. Collection method: clinical testing. Allele origin: germline.
Comment: This variant is classified as likely benign based on ACMG/AMP sequence variant interpretation guidelines (Richards et al. 2015 PMID: 25741868, with internal and published modifications).

NM_002732.4(PRKACG):c.240G>A (p.Val80=)

Gene: PRKACG (protein kinase cAMP-activated catalytic subunit gamma; minus strand). Cytogenetic location: 9q21.11.
Variant type: single nucleotide variant.
Coding change: c.240G>A on transcript NM_002732.4 (MANE Select); coding-DNA position 240, G replaced by A.
Protein change: p.Val80=; no amino-acid change (valine 80 retained).
Molecular consequence: synonymous variant.
Genome position (GRCh38, 1-based): chr9:69,013,853, C>T on the plus strand (G>A on the coding strand, the complement: PRKACG is on the minus strand). VCF-style: chr9-69013853-C-T. GRCh37 (hg19) VCF-style: chr9-71628769-C-T.
Identifiers: ClinVar variation 3054934 (VCV003054934.2), dbSNP rs143625692, ClinGen allele CA5072553.